The following is an entry in ClinVar:

ClinVar aggregate classification (germline): Uncertain significance (1 of 4 stars; one submission).

Conditions:
Arrhythmogenic right ventricular dysplasia 9 (ARVD9). Also called: ARRHYTHMOGENIC RIGHT VENTRICULAR DYSPLASIA, FAMILIAL, 9; Arrhythmogenic Right Ventricular Dysplasia/Cardiomyopathy 9. Identifiers: MedGen C1836906, MONDO:0012180, OMIM 609040.

Allele frequency attached by ClinVar (database versions not stated): gnomAD exomes 0.00001.
gnomAD v4.1: 14 of 1,613,704 alleles (0.00087%); highest among the groups gnomAD compares: Non-Finnish European, 0.0012%; no homozygotes.

Submission:

Labcorp Genetics (formerly Invitae), Labcorp
Classification: Uncertain significance for Arrhythmogenic right ventricular dysplasia 9. Last evaluated: 2021-03-16. Review status: criteria provided, single submitter. Criteria: Invitae Variant Classification Sherloc (09022015). Collection method: clinical testing. Allele origin: germline.
Comment: This variant is not present in population databases (ExAC no frequency). This sequence change replaces methionine with valine at codon 359 of the PKP2 protein (p.Met359Val). The methionine residue is moderately conserved and there is a small physicochemical difference between methionine and valine. This variant has not been reported in the literature in individuals with PKP2-related conditions. In summary, the available evidence is currently insufficient to determine the role of this variant in disease. Therefore, it has been classified as a Variant of Uncertain Significance. Algorithms developed to predict the effect of missense changes on protein structure and function (SIFT, PolyPhen-2, Align-GVGD) all suggest that this variant is likely to be tolerated, but these predictions have not been confirmed by published functional studies and their clinical significance is uncertain.

NM_001005242.3(PKP2):c.1075A>G (p.Met359Val)

Gene: PKP2 (plakophilin 2; minus strand). Cytogenetic location: 12p11.21.
Variant type: single nucleotide variant.
Coding change: c.1075A>G on transcript NM_001005242.3 (MANE Select); coding-DNA position 1075, A replaced by G.
Protein change: p.Met359Val; replaces methionine 359 with valine.
Molecular consequence: missense variant.
Genome position (GRCh38, 1-based): chr12:32,869,022, T>C on the plus strand (A>G on the coding strand, the complement: PKP2 is on the minus strand). VCF-style: chr12-32869022-T-C. GRCh37 (hg19) VCF-style: chr12-33021956-T-C.
Other names: c.1075A>G, p.Met359Val (NM_004572.4); short protein forms M359V.
Identifiers: ClinVar variation 1524008 (VCV001524008.8), dbSNP rs1336886985, ClinGen allele CA384359718.
Genomic context (GRCh38, chr12:32,869,022, plus strand): 5'-GCTGTATGAAAGTAGCTGCAGCAGAAATCCTGGATGGCAGCATGTGGTCTGCCTCGAGCA[T>C]ACTCACTGCTCGCTCCAGAGTCATCTCCATGTCTGCATTCCTAGACAAACAGGCACAGAT-3'
Protein context (NP_001005242.2, residues 349-369): MEMTLERAVS[Met359Val]LEADHMLPSR